The following is an entry in ClinVar:

ClinVar aggregate classification (germline): Uncertain significance. Review status: criteria provided, multiple submitters, no conflicts (2 of 4 stars). 5 submissions from 5 submitters: Uncertain significance (5). Last evaluated 2025-10-09.

Conditions:
Cardiovascular phenotype. Identifiers: MedGen CN230736.
Cardiomyopathy (CMYO). Also called: Cardiomyopathies. Identifiers: Orphanet 167848, MedGen C0878544, MONDO:0004994, HP:0001638. Inheritance: Various modes of inheritance.
Hypertrophic cardiomyopathy. Also called: HYPERTROPHIC MYOCARDIOPATHY. Identifiers: Orphanet 217569, MedGen C0007194, MeSH D002312, MONDO:0005045, HP:0001639.

Allele frequency attached by ClinVar (database versions not stated): gnomAD exomes 0.00001.
gnomAD v4.1: 10 of 1,613,974 alleles (0.00062%); highest among the groups gnomAD compares: Non-Finnish European, 0.00076%; no homozygotes.

Submissions (5):

Labcorp Genetics (formerly Invitae), Labcorp
Classification: Uncertain significance for Hypertrophic cardiomyopathy. Last evaluated: 2025-10-09. Review status: criteria provided, single submitter. Criteria: Invitae Variant Classification Sherloc (09022015). Collection method: clinical testing. Allele origin: germline.
Comment: This sequence change replaces arginine, which is basic and polar, with tryptophan, which is neutral and slightly polar, at codon 1574 of the MYH7 protein (p.Arg1574Trp). This variant is not present in population databases (gnomAD no frequency). This missense change has been observed in individual(s) with dilated cardiomyopathy, hypertrophic cardiomyopathy, or left ventricular non-compaction (PMID: 24503780, 27532257, 33500567, 37652022, 37937776). ClinVar contains an entry for this variant (Variation ID: 43033). Invitae Evidence Modeling of protein sequence and biophysical properties (such as structural, functional, and spatial information, amino acid conservation, physicochemical variation, residue mobility, and thermodynamic stability) indicates that this missense variant is expected to disrupt MYH7 protein function with a positive predictive value of 95%. In summary, the available evidence is currently insufficient to determine the role of this variant in disease. Therefore, it has been classified as a Variant of Uncertain Significance.

All of Us Research Program, National Institutes of Health
Classification: Uncertain significance for Cardiomyopathy. Last evaluated: 2024-04-25. Review status: criteria provided, single submitter. Criteria: ACMG Guidelines, 2015. Collection method: clinical testing. Allele origin: germline. Inheritance: Autosomal dominant inheritance. Observed: 3 variant alleles, 3 heterozygotes.
Comment: This missense variant replaces arginine with tryptophan at codon 1574 of the MYH7 protein. Computational prediction tools indicate that this variant has a deleterious impact on protein structure and function. To our knowledge, functional studies have not been reported for this variant. This variant has been reported in one individual affected with dilated cardiomyopathy (PMID: 24503780, 27532257) and in one individual affected with left ventricular noncompaction (PMID: 33500567). This variant has not been identified in the general population by the Genome Aggregation Database (gnomAD). The available evidence is insufficient to determine the role of this variant in disease conclusively. Therefore, this variant is classified as a Variant of Uncertain Significance.

This study involves interpretation of variants in research participants for the purpose of population health screening. Participant phenotype was not available at the time of variant classification. Additional details can be found in publication PMID: 35346344, PMCID: PMC8962531

Women's Health and Genetics/Laboratory Corporation of America, LabCorp
Classification: Uncertain significance. Last evaluated: 2021-05-24. Review status: criteria provided, single submitter. Criteria: LabCorp Variant Classification Summary - May 2015. Collection method: clinical testing. Allele origin: germline.
Comment: Variant summary: MYH7 c.4720C>T (p.Arg1574Trp) results in a non-conservative amino acid change located in the Myosin tail domain (IPR002928) of the encoded protein sequence. Five of five in-silico tools predict a damaging effect of the variant on protein function. The variant was absent in 251410 control chromosomes (gnomAD). The available data on variant occurrences in the general population are insufficient to allow any conclusion about variant significance. c.4720C>T has been reported in the literature in individuals affected with Dilated cardiomyopathy (Pugh_2014, Walsh_2017). These reports do not provide unequivocal conclusions about association of the variant with Cardiomyopathy. To our knowledge, no experimental evidence demonstrating an impact on protein function has been reported. No clinical diagnostic laboratories have submitted clinical-significance assessments for this variant to ClinVar after 2014. Based on the evidence outlined above, the variant was classified as uncertain significance.

Ambry Genetics
Classification: Uncertain significance for Cardiovascular phenotype. Last evaluated: 2019-01-14. Review status: criteria provided, single submitter. Criteria: Ambry Variant Classification Scheme 2023. Collection method: clinical testing. Allele origin: germline.
Comment: The p.R1574W variant (also known as c.4720C>T), located in coding exon 32 of the MYH7 gene, results from a C to T substitution at nucleotide position 4720. The arginine at codon 1574 is replaced by tryptophan, an amino acid with dissimilar properties. This alteration was reported in two individuals with dilated cardiomyopathy (DCM) (Pugh TJ et al. Genet. Med., 2014 Aug;16:601-8: Walsh R et al. Genet. Med., 2017 02;19:192-203). This amino acid position is highly conserved in available vertebrate species. In addition, this alteration is predicted to be deleterious by in silico analysis. Since supporting evidence is limited at this time, the clinical significance of this alteration remains unclear.

Laboratory for Molecular Medicine, Mass General Brigham Personalized Medicine
Classification: Uncertain significance. Last evaluated: 2014-01-16. Review status: criteria provided, single submitter. Criteria: LMM Criteria. Collection method: clinical testing. Allele origin: germline. Observed: 2 variant alleles.
Comment: proposed classification - variant undergoing re-assessment, contact laboratory

Literature cited by the submitters: PubMed 24503780 (cited by 4 submitters); PubMed 27532257 (cited by 4 submitters); PubMed 33500567 (cited by Labcorp Genetics (formerly Invitae), Labcorp and All of Us Research Program, National Institutes of Health); PubMed 37652022 (cited by Labcorp Genetics (formerly Invitae), Labcorp); PubMed 37937776 (cited by Labcorp Genetics (formerly Invitae), Labcorp); PubMed 28606303 (cited by Women's Health and Genetics/Laboratory Corporation of America, LabCorp).

NM_000257.4(MYH7):c.4720C>T (p.Arg1574Trp)

Genes: MHRT (myosin heavy chain associated RNA transcript; plus strand), MYH7 (myosin heavy chain 7; minus strand), LOC126861897 (BRD4-independent group 4 enhancer GRCh37_chr14:23884455-23885654; plus strand). Cytogenetic location: 14q11.2.
Variant type: single nucleotide variant.
Coding change: c.4720C>T on transcript NM_000257.4 (MANE Select); coding-DNA position 4720, C replaced by T.
Protein change: p.Arg1574Trp; replaces arginine 1574 with tryptophan.
Molecular consequence: missense variant. On other transcripts: non-coding transcript variant (1).
Genome position (GRCh38, 1-based): chr14:23,416,237, G>A on the plus strand (C>T on the coding strand, the complement: MYH7 is on the minus strand). VCF-style: chr14-23416237-G-A. GRCh37 (hg19) VCF-style: chr14-23885446-G-A.
Other names: short protein forms R1574W.
Identifiers: ClinVar variation 43033 (VCV000043033.12), dbSNP rs397516227, ClinGen allele CA015258.